The following is an entry in ClinVar:

ClinVar aggregate classification (germline): Conflicting classifications of pathogenicity. Review status: criteria provided, conflicting classifications (1 of 4 stars). 4 submissions from 4 submitters: Uncertain significance (1); Likely benign (2). 1 of the submissions does not count toward it. Last evaluated 2026-01-04.

Conditions:
Inflammatory bowel disease 28. Also called: Inflammatory bowel disease 28, early onset, autosomal recessive. Identifiers: Orphanet 238569, MedGen C2751053, MONDO:0013153, OMIM 613148.
IL10RA-related disorder. Also called: IL10RA-related condition.

Allele frequency attached by ClinVar (database versions not stated): gnomAD exomes 0.00003 and 0.00008; ExAC 0.00009; ESP Exome Variant Server 0.00015; gnomAD 0.00035 and 0.00039; TOPMed 0.00055; 1000 Genomes Project 30x 0.00062; 1000 Genomes Project 0.00080.

Submissions (4):

Labcorp Genetics (formerly Invitae), Labcorp
Classification: Likely benign for Inflammatory bowel disease 28. Last evaluated: 2026-01-04. Review status: criteria provided, single submitter. Criteria: Invitae Variant Classification Sherloc (09022015). Collection method: clinical testing. Allele origin: germline.

Blueprint Genetics
Classification: Likely benign. Last evaluated: 2022-09-13. Review status: criteria provided, single submitter. Criteria: ACMG Guidelines, 2015. Collection method: clinical testing. Allele origin: germline.

Eurofins Ntd Llc (ga)
Classification: Uncertain significance. Last evaluated: 2017-07-11. Review status: criteria provided, single submitter. Criteria: EGL Classification Definitions 2015. Collection method: clinical testing. Allele origin: germline. Observed: 1 variant allele, 1 heterozygote.

PreventionGenetics, part of Exact Sciences
Classification: Likely benign for IL10RA-related condition. Last evaluated: 2020-06-18. Review status: no assertion criteria provided. Collection method: clinical testing. Allele origin: germline. Not counted in ClinVar's aggregate classification.
Comment: This variant is classified as likely benign based on ACMG/AMP sequence variant interpretation guidelines (Richards et al. 2015 PMID: 25741868, with internal and published modifications).

NM_001558.4(IL10RA):c.1260G>A (p.Ser420=)

Gene: IL10RA (interleukin 10 receptor subunit alpha; plus strand). Cytogenetic location: 11q23.3.
Variant type: single nucleotide variant.
Coding change: c.1260G>A on transcript NM_001558.4 (MANE Select); coding-DNA position 1260, G replaced by A.
Protein change: p.Ser420=; no amino-acid change (serine 420 retained).
Molecular consequence: synonymous variant. On other transcripts: non-coding transcript variant (1).
Genome position (GRCh38, 1-based): chr11:117,999,164, G>A. VCF-style: chr11-117999164-G-A. GRCh37 (hg19) VCF-style: chr11-117869879-G-A.
Identifiers: ClinVar variation 593083 (VCV000593083.18), dbSNP rs199604463, ClinGen allele CA6299150.
Genomic context (GRCh38, chr11:117,999,164, plus strand): 5'-CAGTGGCATTGACTTAGTTCAAAACTCTGAGGGCCGGGCTGGGGACACACAGGGTGGCTC[G>A]GCCTTGGGCCACCACAGTCCCCCGGAGCCTGAGGTGCCTGGGGAAGAAGACCCAGCTGCT-3'
Protein context (NP_001549.2, residues 410-430): EGRAGDTQGG[Ser420=]ALGHHSPPEP